The following is an entry in ClinVar:

ClinVar aggregate classification (germline): Uncertain significance. Review status: criteria provided, multiple submitters, no conflicts (2 of 4 stars). 2 submissions from 2 submitters: Uncertain significance (2). Last evaluated 2023-12-05.

Conditions:
Cardiomyopathy (CMYO). Also called: Cardiomyopathies. Identifiers: Orphanet 167848, MedGen C0878544, MONDO:0004994, HP:0001638. Inheritance: Various modes of inheritance.
Atrial septal defect 5 (ASD5). Identifiers: Orphanet 1478, MedGen C2748552, MONDO:0013011, OMIM 612794.
Dilated cardiomyopathy 1R (CMD1R). Identifiers: Orphanet 154, Orphanet 54260, MedGen C3150681, MONDO:0013261, OMIM 613424.
Hypertrophic cardiomyopathy 11. Also called: ACTC1-Related Familial Hypertrophic Cardiomyopathy. Identifiers: MedGen C2677506, MONDO:0012799, OMIM 612098.

Submissions (2):

Color Diagnostics, LLC DBA Color Health
Classification: Uncertain significance for Cardiomyopathy. Last evaluated: 2023-12-05. Review status: criteria provided, single submitter. Criteria: ACMG Guidelines, 2015. Collection method: clinical testing. Allele origin: germline.
Comment: This missense variant replaces alanine with valine at codon 133 of the ACTC1 protein. Computational prediction tools and conservation analyses suggest that this variant may have deleterious impact on the protein function. Computational splicing tools suggest that this variant may not impact RNA splicing. To our knowledge, functional assays have not been performed for this variant nor has this variant been reported in individuals affected with cardiovascular disorders in the literature. This variant has not been identified in the general population by the Genome Aggregation Database (gnomAD). Available evidence is insufficient to determine the role of this variant in disease conclusively. Therefore, this variant is classified as a Variant of Uncertain Significance.

Labcorp Genetics (formerly Invitae), Labcorp
Classification: Uncertain significance for Dilated cardiomyopathy 1R; Hypertrophic cardiomyopathy 11; Atrial septal defect 5. Last evaluated: 2022-07-05. Review status: criteria provided, single submitter. Criteria: Invitae Variant Classification Sherloc (09022015). Collection method: clinical testing. Allele origin: germline.
Comment: This variant has not been reported in the literature in individuals affected with ACTC1-related conditions. This variant is not present in population databases (gnomAD no frequency). This sequence change replaces alanine, which is neutral and non-polar, with valine, which is neutral and non-polar, at codon 133 of the ACTC1 protein (p.Ala133Val). In summary, the available evidence is currently insufficient to determine the role of this variant in disease. Therefore, it has been classified as a Variant of Uncertain Significance. Algorithms developed to predict the effect of missense changes on protein structure and function (SIFT, PolyPhen-2, Align-GVGD) all suggest that this variant is likely to be disruptive. ClinVar contains an entry for this variant (Variation ID: 925676).

NM_005159.5(ACTC1):c.398C>T (p.Ala133Val)

Genes: ACTC1 (actin alpha cardiac muscle 1; minus strand), GJD2-DT (GJD2 divergent transcript; plus strand). Cytogenetic location: 15q14.
Variant type: single nucleotide variant.
Coding change: c.398C>T on transcript NM_005159.5 (MANE Select); coding-DNA position 398, C replaced by T.
Protein change: p.Ala133Val; replaces alanine 133 with valine.
Molecular consequence: missense variant.
Genome position (GRCh38, 1-based): chr15:34,793,301, G>A on the plus strand (C>T on the coding strand, the complement: ACTC1 is on the minus strand). VCF-style: chr15-34793301-G-A. GRCh37 (hg19) VCF-style: chr15-35085502-G-A.
Other names: short protein forms A133V.
Identifiers: ClinVar variation 925676 (VCV000925676.10), dbSNP rs1257864393, ClinGen allele CA391631319.
Genomic context (GRCh38, chr15:34,793,301, plus strand): 5'-ATACCTGTGGTACGGCCAGAAGCATACAGGGATAGCACTGCCTGGATGGCCACGTACATG[G>A]CAGGGACATTGAAGGTCTCAAACATGATCTGAGTCATCTTCTCCCGGTTGGCCTTGGGGT-3'
Protein context (NP_005150.1, residues 123-143): QIMFETFNVP[Ala133Val]MYVAIQAVLS